The following is an entry in ClinVar:

NM_004329.3(BMPR1A):c.20A>C (p.Tyr7Ser)

Gene: BMPR1A (bone morphogenetic protein receptor type 1A; plus strand). Cytogenetic location: 10q23.2.
Variant type: single nucleotide variant.
Coding change: c.20A>C on transcript NM_004329.3 (MANE Select); coding-DNA position 20, A replaced by C.
Protein change: p.Tyr7Ser; replaces tyrosine 7 with serine.
Molecular consequence: missense variant.
Genome position (GRCh38, 1-based): chr10:86,876,038, A>C. VCF-style: chr10-86876038-A-C. GRCh37 (hg19) VCF-style: chr10-88635795-A-C.
Other names: c.20A>C, p.Tyr7Ser (NM_001406559.1, NM_001406560.1, NM_001406561.1 and 23 more transcripts); c.-60A>C (NM_001406588.1); short protein forms Y7S.
Identifiers: ClinVar variation 2090929 (VCV002090929.4), dbSNP rs993642453, ClinGen allele CA377774779.

ClinVar aggregate classification (germline): Uncertain significance (1 of 4 stars; one submission).

Conditions:
Juvenile polyposis syndrome (JPS). Identifiers: Orphanet 2929, MedGen C0345893, MONDO:0017380, OMIM 174900.

Submission:

Labcorp Genetics (formerly Invitae), Labcorp
Classification: Uncertain significance for Juvenile polyposis syndrome. Last evaluated: 2022-08-20. Review status: criteria provided, single submitter. Criteria: Invitae Variant Classification Sherloc (09022015). Collection method: clinical testing. Allele origin: germline.
Comment: This variant is not present in population databases (gnomAD no frequency). This variant has not been reported in the literature in individuals affected with BMPR1A-related conditions. In summary, the available evidence is currently insufficient to determine the role of this variant in disease. Therefore, it has been classified as a Variant of Uncertain Significance. Advanced modeling of protein sequence and biophysical properties (such as structural, functional, and spatial information, amino acid conservation, physicochemical variation, residue mobility, and thermodynamic stability) performed at Invitae indicates that this missense variant is not expected to disrupt BMPR1A protein function. This sequence change replaces tyrosine, which is neutral and polar, with serine, which is neutral and polar, at codon 7 of the BMPR1A protein (p.Tyr7Ser).